The following is an entry in ClinVar:

NM_014717.3(ZNF536):c.601G>T (p.Glu201Ter)

Gene: ZNF536 (zinc finger protein 536; plus strand). Cytogenetic location: 19q12.
Variant type: single nucleotide variant.
Coding change: c.601G>T on transcript NM_014717.3 (MANE Select); coding-DNA position 601, G replaced by T.
Protein change: p.Glu201Ter; replaces glutamic acid 201 with a stop codon.
Molecular consequence: nonsense.
Genome position (GRCh38, 1-based): chr19:30,444,163, G>T. VCF-style: chr19-30444163-G-T. GRCh37 (hg19) VCF-style: chr19-30935070-G-T.
Other names: c.601G>T, p.Glu201Ter (NM_001352260.2, NM_001376110.1, NM_001376111.1 and 1 more transcripts); short protein forms E201*.
Identifiers: ClinVar variation 4976634 (VCV004976634.1).

ClinVar aggregate classification (germline): Uncertain significance (1 of 4 stars; one submission).

Submission:

GeneDx
Classification: Uncertain significance. Last evaluated: 2023-02-13. Review status: criteria provided, single submitter. Criteria: GeneDx Variant Classification Process June 2021. Collection method: clinical testing. Allele origin: germline.
Comment: Nonsense variant predicted to result in protein truncation or nonsense mediated decay in a gene or region of a gene for which loss of function is not a well-established mechanism of disease; Not observed at significant frequency in large population cohorts (gnomAD); Has not been previously published as pathogenic or benign to our knowledge; Variants in candidate genes are classified as variants of uncertain significance in accordance with ACMG guidelines (Richards et al., 2015)